The following is an entry in ClinVar:

NM_001035.3(RYR2):c.11477-8del

Gene: RYR2 (ryanodine receptor 2; plus strand). Cytogenetic location: 1q43.
Variant type: Deletion.
Coding change: c.11477-8del on transcript NM_001035.3 (MANE Select); 8 bases into the intron before coding-DNA position 11477, one base deleted (T; older notation c.11477-8delT).
Molecular consequence: intron variant.
Genome position (GRCh38, 1-based): chr1:237,770,799, T deleted; the last of 3 consecutive T bases (chr1:237,770,797-237,770,799); deleting any one gives the same sequence. VCF-style (leftmost placement, unchanged base first): chr1-237770796-AT-A. GRCh37 (hg19) VCF-style: chr1-237934096-AT-A.
Identifiers: ClinVar variation 924569 (VCV000924569.3), dbSNP rs1694208486, ClinGen allele CA1139656701.

ClinVar aggregate classification (germline): Uncertain significance (1 of 4 stars; one submission).

Conditions:
Cardiomyopathy (CMYO). Also called: Cardiomyopathies. Identifiers: Orphanet 167848, MedGen C0878544, MONDO:0004994, HP:0001638. Inheritance: Various modes of inheritance.

Submission:

Color Diagnostics, LLC DBA Color Health
Classification: Uncertain significance for Cardiomyopathy. Last evaluated: 2020-02-09. Review status: criteria provided, single submitter. Criteria: ACMG Guidelines, 2015. Collection method: clinical testing. Allele origin: germline.
Comment: This variant causes a deletion of 1 nucleotide from intron 84 of the RYR2 gene. Splice site prediction tools and conservation analysis are inconclusive regarding the impact of this variant on RNA splicing. To our knowledge, functional studies have not been performed for this variant. This variant has not been reported in individuals affected with cardiovascular disorders in the literature. This variant has not been identified in the general population by the Genome Aggregation Database (gnomAD). The available evidence is insufficient to determine the role of this variant in disease conclusively. Therefore, this variant is classified as a Variant of Uncertain Significance.